The following is an entry in ClinVar:

NC_000004.11:g.(?_55589740)_(55604733_?)dup

Gene: KIT (KIT proto-oncogene, receptor tyrosine kinase; plus strand). Cytogenetic location: 4q12.
Variant type: Duplication.
Identifiers: ClinVar variation 649066 (VCV000649066.2).

ClinVar aggregate classification (germline): Uncertain significance (1 of 4 stars; one submission).

Conditions:
Gastrointestinal stromal tumor. Also called: Gastrointestinal stromal tumor, somatic; Gastrointestinal stroma tumor. Identifiers: Orphanet 44890, MedGen C0238198, MeSH D046152, MONDO:0011719, OMIM 606764, HP:0100723.

Submission:

Labcorp Genetics (formerly Invitae), Labcorp
Classification: Uncertain significance for Gastrointestinal stroma tumor. Last evaluated: 2018-12-29. Review status: criteria provided, single submitter. Criteria: Invitae Variant Classification Sherloc (09022015). Collection method: clinical testing. Allele origin: germline.
Comment: This variant results in a copy number gain of the genomic region encompassing exons 8-21 of the KIT gene. The 5' boundary is likely confined to intron 7. The 3' end of this event is unknown as it extends beyond the assayed region for this gene and therefore may encompass additional genes. As the precise location of this event is unknown, it may be in tandem or it may be located elsewhere in the genome. This variant has not been reported in the literature in individuals with KIT-related conditions. Experimental studies and prediction algorithms are not available for this variant, and the functional significance of the affected amino acid(s) is currently unknown. In summary, the available evidence is currently insufficient to determine the role of this variant in disease. Therefore, it has been classified as a Variant of Uncertain Significance.